The following is an entry in ClinVar:

ClinVar aggregate classification (germline): Uncertain significance. Review status: criteria provided, multiple submitters, no conflicts (2 of 4 stars). 2 submissions from 2 submitters: Uncertain significance (2). Last evaluated 2021-10-19.

Conditions:
Alstrom syndrome (ALMS). Identifiers: Orphanet 64, MedGen C0268425, MONDO:0008763, OMIM 203800.

Allele frequency attached by ClinVar (database versions not stated): gnomAD exomes below 0.00001.
gnomAD v4.1: 5 of 1,613,612 alleles (0.00031%); highest among the groups gnomAD compares: Non-Finnish European, 0.00042%; no homozygotes.

Submissions (2):

Labcorp Genetics (formerly Invitae), Labcorp
Classification: Uncertain significance for Alstrom syndrome. Last evaluated: 2021-10-19. Review status: criteria provided, single submitter. Criteria: Invitae Variant Classification Sherloc (09022015). Collection method: clinical testing. Allele origin: germline.
Comment: This sequence change replaces serine, which is neutral and polar, with alanine, which is neutral and non-polar, at codon 1573 of the ALMS1 protein (p.Ser1573Ala). This variant is not present in population databases (gnomAD no frequency). This variant has not been reported in the literature in individuals affected with ALMS1-related conditions. Experimental studies and prediction algorithms are not available or were not evaluated, and the functional significance of this variant is currently unknown. In summary, the available evidence is currently insufficient to determine the role of this variant in disease. Therefore, it has been classified as a Variant of Uncertain Significance.

Fulgent Genetics
Classification: Uncertain significance for Alstrom syndrome. Last evaluated: 2021-09-29. Review status: criteria provided, single submitter. Criteria: ACMG Guidelines, 2015. Collection method: clinical testing. Allele origin: unknown.

NM_001378454.1(ALMS1):c.4714T>G (p.Ser1572Ala)

Gene: ALMS1 (ALMS1 centrosome and basal body associated protein; plus strand). Cytogenetic location: 2p13.1.
Variant type: single nucleotide variant.
Coding change: c.4714T>G on transcript NM_001378454.1 (MANE Select); coding-DNA position 4714, T replaced by G.
Protein change: p.Ser1572Ala; replaces serine 1572 with alanine.
Molecular consequence: missense variant.
Genome position (GRCh38, 1-based): chr2:73,451,241, T>G. VCF-style: chr2-73451241-T-G. GRCh37 (hg19) VCF-style: chr2-73678368-T-G.
Other names: c.4717T>G, p.Ser1573Ala (NM_015120.4); short protein forms S1572A, S1573A.
Identifiers: ClinVar variation 1448084 (VCV001448084.4), dbSNP rs2103783756, ClinGen allele CA347279106.